The following is an entry in ClinVar:

NM_024939.3(ESRP2):c.2022G>A (p.Thr674=)

Gene: ESRP2 (epithelial splicing regulatory protein 2; minus strand). Cytogenetic location: 16q22.1.
Variant type: single nucleotide variant.
Coding change: c.2022G>A on transcript NM_024939.3 (MANE Select); coding-DNA position 2022, G replaced by A.
Protein change: p.Thr674=; no amino-acid change (threonine 674 retained).
Molecular consequence: synonymous variant. On other transcripts: intron variant (1).
Genome position (GRCh38, 1-based): chr16:68,230,431, C>T on the plus strand (G>A on the coding strand, the complement: ESRP2 is on the minus strand). VCF-style: chr16-68230431-C-T. GRCh37 (hg19) VCF-style: chr16-68264334-C-T.
Other names: c.2052G>A, p.Thr684= (NM_001365264.1); c.1899-116G>A (NM_001365265.1).
Identifiers: ClinVar variation 3049560 (VCV003049560.2), dbSNP rs377157836, ClinGen allele CA8125078.
Genomic context (GRCh38, chr16:68,230,431, plus strand): 5'-CCGGCCACACAATCTCACCTGGTAGGCCTGGAAGACGCTGAGCAGATCCTTCATACCAGC[C>T]GTGTATGGGACACCCTGCATGCGGACCAAGGCTCCTGACTGGGACAACACTGAGGTGGGA-3'
Protein context (NP_079215.2, residues 664-684): ALVRMQGVPY[Thr674=]AGMKDLLSVF

ClinVar aggregate classification (germline): Benign (0 of 4 stars; one submission).

Conditions:
ESRP2-related disorder. Also called: ESRP2-related condition.

Allele frequency attached by ClinVar (database versions not stated): gnomAD 0.00071; ExAC 0.00281; 1000 Genomes Project 30x 0.00562; 1000 Genomes Project 0.00619.
gnomAD v4.1: 1,952 of 1,613,060 alleles (0.12%); highest among the groups gnomAD compares: South Asian, 2%; 35 homozygotes.

Submission:

PreventionGenetics, part of Exact Sciences
Classification: Benign for ESRP2-related condition. Last evaluated: 2024-09-04. Review status: no assertion criteria provided. Collection method: clinical testing. Allele origin: germline.
Comment: This variant is classified as benign based on ACMG/AMP sequence variant interpretation guidelines (Richards et al. 2015 PMID: 25741868, with internal and published modifications).